The following is an entry in ClinVar:

ClinVar aggregate classification (germline): Conflicting classifications of pathogenicity. Review status: criteria provided, conflicting classifications (1 of 4 stars). 2 submissions from 2 submitters: Likely pathogenic (1); Uncertain significance (1). Last evaluated 2025-08-13.

Conditions:
Hypokalemic periodic paralysis, type 1. Also called: HypoPP; Hypokalemic Periodic Paralysis Type 1 (AD). Identifiers: Orphanet 681, MedGen C3714580, MONDO:0042979, OMIM 170400.
Malignant hyperthermia, susceptibility to, 5 (MHS5). Also called: CACNA1S-Related Malignant Hyperthermia Susceptibility. Identifiers: Orphanet 423, MedGen C1866077, MONDO:0011163, OMIM 601887.

Allele frequency attached by ClinVar (database versions not stated): gnomAD exomes below 0.00001; TOPMed below 0.00001; gnomAD 0.00001.
gnomAD v4.1: 4 of 1,613,620 alleles (0.00025%); highest among the groups gnomAD compares: Non-Finnish European, 0.00034%; no homozygotes.

Submissions (2):

Labcorp Genetics (formerly Invitae), Labcorp
Classification: Likely pathogenic for Hypokalemic periodic paralysis, type 1; Malignant hyperthermia, susceptibility to, 5. Last evaluated: 2025-08-13. Review status: criteria provided, single submitter. Criteria: Invitae Variant Classification Sherloc (09022015). Collection method: clinical testing. Allele origin: germline.
Comment: This sequence change affects an acceptor splice site in intron 5 of the CACNA1S gene. It is expected to disrupt RNA splicing. Variants that disrupt the donor or acceptor splice site typically lead to a loss of protein function (PMID: 16199547), and loss-of-function variants in CACNA1S are known to be pathogenic (PMID: 26247046, 28012042). This variant is not present in population databases (gnomAD no frequency). This variant has not been reported in the literature in individuals affected with CACNA1S-related conditions. ClinVar contains an entry for this variant (Variation ID: 1471704). Algorithms developed to predict the effect of sequence changes on RNA splicing suggest that this variant may disrupt the consensus splice site. In summary, the currently available evidence indicates that the variant is pathogenic, but additional data are needed to prove that conclusively. Therefore, this variant has been classified as Likely Pathogenic.

Color Diagnostics, LLC DBA Color Health
Classification: Uncertain significance for Malignant hyperthermia, susceptibility to, 5. Last evaluated: 2023-11-09. Review status: criteria provided, single submitter. Criteria: ACMG Guidelines, 2015. Collection method: clinical testing. Allele origin: germline.
Comment: This variant causes a G to A nucleotide substitution at the -1 position of intron 5 of the CACNA1S gene. To our knowledge, functional studies have not been reported for this variant. This variant has not been reported in individuals affected with CACNA1S-related conditions in the literature. This variant has not been identified in the general population by the Genome Aggregation Database (gnomAD). Loss of CACNA1S function due to truncation variants is not an established disease mechanism for autosomal dominant malignant hyperthermia. Due to insufficient evidence, this variant is classified as a Variant of Uncertain Significance for autosomal dominant malignant hyperthermia.

Literature cited by the submitters: PubMed 16199547 (cited by Labcorp Genetics (formerly Invitae), Labcorp); PubMed 26247046 (cited by Labcorp Genetics (formerly Invitae), Labcorp); PubMed 28012042 (cited by Labcorp Genetics (formerly Invitae), Labcorp).

NM_000069.3(CACNA1S):c.695-1G>A

Gene: CACNA1S (calcium voltage-gated channel subunit alpha1 S; minus strand). Cytogenetic location: 1q32.1.
Variant type: single nucleotide variant.
Coding change: c.695-1G>A on transcript NM_000069.3 (MANE Select); the canonical splice acceptor site of the intron before coding-DNA position 695, G replaced by A.
Molecular consequence: splice acceptor variant.
Genome position (GRCh38, 1-based): chr1:201,089,464, C>T on the plus strand (G>A on the coding strand, the complement: CACNA1S is on the minus strand). VCF-style: chr1-201089464-C-T. GRCh37 (hg19) VCF-style: chr1-201058592-C-T.
Identifiers: ClinVar variation 1471704 (VCV001471704.9), dbSNP rs1213421499, ClinGen allele CA344137244.
Genomic context (GRCh38, chr1:201,089,464, plus strand): 5'-GCCCTGAGCCCGTCCTGGCGCAGGGCGATGGCTCTTCATTCTCCACCGTGGCCACGATAT[C>T]TGGAGGCAGAAGGCAAAGGGAACATCAGACAACAGTAGTAGGTGGACAACGACAGGAGGA-3'